The following is an entry in ClinVar:

ClinVar aggregate classification (germline): Uncertain significance (1 of 4 stars; one submission).

Submission:

Labcorp Genetics (formerly Invitae), Labcorp
Classification: Uncertain significance. Last evaluated: 2025-01-27. Review status: criteria provided, single submitter. Criteria: Invitae Variant Classification Sherloc (09022015). Collection method: clinical testing. Allele origin: germline.
Comment: This sequence change replaces arginine, which is basic and polar, with glycine, which is neutral and non-polar, at codon 259 of the POLG2 protein (p.Arg259Gly). This variant is not present in population databases (gnomAD no frequency). This variant has not been reported in the literature in individuals affected with POLG2-related conditions. ClinVar contains an entry for this variant (Variation ID: 1478167). An algorithm developed to predict the effect of missense changes on protein structure and function (PolyPhen-2) suggests that this variant is likely to be disruptive. In summary, the available evidence is currently insufficient to determine the role of this variant in disease. Therefore, it has been classified as a Variant of Uncertain Significance.

NM_007215.4(POLG2):c.775C>G (p.Arg259Gly)

Genes: MILR1 (mast cell immunoglobulin like receptor 1; plus strand), POLG2 (DNA polymerase gamma 2, accessory subunit; minus strand). Cytogenetic location: 17q23.3.
Variant type: single nucleotide variant.
Coding change: c.775C>G on transcript NM_007215.4 (MANE Select); coding-DNA position 775, C replaced by G.
Protein change: p.Arg259Gly; replaces arginine 259 with glycine.
Molecular consequence: missense variant.
Genome position (GRCh38, 1-based): chr17:64,492,687, G>C on the plus strand (C>G on the coding strand, the complement: POLG2 is on the minus strand). VCF-style: chr17-64492687-G-C. GRCh37 (hg19) VCF-style: chr17-62488804-G-C.
Other names: short protein forms R259G.
Identifiers: ClinVar variation 1478167 (VCV001478167.8), dbSNP rs782006396, ClinGen allele CA400638885.